The following is an entry in ClinVar:

ClinVar aggregate classification (germline): Uncertain significance (1 of 4 stars; one submission).

Conditions:
Hereditary cancer-predisposing syndrome. Also called: Tumor predisposition; Hereditary neoplastic syndrome; Neoplastic Syndromes, Hereditary; Hereditary Cancer Syndrome. Identifiers: Orphanet 140162, MedGen C0027672, MeSH D009386, MONDO:0015356.

Allele frequency attached by ClinVar (database versions not stated): TOPMed below 0.00001; gnomAD 0.00001.
gnomAD v4.1: 1 of 1,614,034 alleles (0.000062%); highest among the groups gnomAD compares: African/African-American, 0.0013%; no homozygotes.

Submission:

Ambry Genetics
Classification: Uncertain significance for Hereditary cancer-predisposing syndrome. Last evaluated: 2025-05-15. Review status: criteria provided, single submitter. Criteria: Ambry Variant Classification Scheme 2023. Collection method: clinical testing. Allele origin: germline.
Comment: The p.C35R variant (also known as c.103T>C), located in coding exon 1 of the FANCC gene, results from a T to C substitution at nucleotide position 103. The cysteine at codon 35 is replaced by arginine, an amino acid with highly dissimilar properties. This amino acid position is highly conserved in available vertebrate species. In addition, this alteration is predicted to be deleterious by in silico analysis. Since supporting evidence is limited at this time, the clinical significance of this alteration remains unclear.

NM_000136.3(FANCC):c.103T>C (p.Cys35Arg)

Gene: FANCC (FA complementation group C; minus strand). Cytogenetic location: 9q22.32.
Variant type: single nucleotide variant.
Coding change: c.103T>C on transcript NM_000136.3 (MANE Select); coding-DNA position 103, T replaced by C.
Protein change: p.Cys35Arg; replaces cysteine 35 with arginine.
Molecular consequence: missense variant.
Genome position (GRCh38, 1-based): chr9:95,249,189, A>G on the plus strand (T>C on the coding strand, the complement: FANCC is on the minus strand). VCF-style: chr9-95249189-A-G. GRCh37 (hg19) VCF-style: chr9-98011471-A-G.
Other names: c.103T>C, p.Cys35Arg (NM_001243743.2, NM_001243744.2); short protein forms C35R.
Identifiers: ClinVar variation 818299 (VCV000818299.6), dbSNP rs1588353540, ClinGen allele CA374340326.
Genomic context (GRCh38, chr9:95,249,189, plus strand): 5'-TCTCTTTCAAGGCTTCATACATCTTCCTTAGGAACTCCTGGAACTGAGCCACGTGAAGAC[A>G]GGTGTCTTGCTGGGTTTCCAAAGTGGAAGCCTGATCCCATACAGAAAGCTTCTGCATCCA-3'
Protein context (NP_000127.2, residues 25-45): ASTLETQQDT[Cys35Arg]LHVAQFQEFL